The following is an entry in ClinVar:

ClinVar aggregate classification (germline): Conflicting classifications of pathogenicity. Review status: criteria provided, conflicting classifications (1 of 4 stars). 2 submissions from 2 submitters: Uncertain significance (1); Likely benign (1). Last evaluated 2025-05-25.

Conditions:
Nemaline myopathy 2 (NEM2). Also called: Nemaline myopathy 2, autosomal recessive. Identifiers: MedGen C1850569, MONDO:0009725, OMIM 256030.

Allele frequency attached by ClinVar (database versions not stated): gnomAD exomes 0.00001; TOPMed 0.00001.
gnomAD v4.1: 7 of 1,588,252 alleles (0.00044%); highest among the groups gnomAD compares: Admixed American, 0.012%; no homozygotes.

Submissions (2):

Labcorp Genetics (formerly Invitae), Labcorp
Classification: Likely benign for Nemaline myopathy 2. Last evaluated: 2025-05-25. Review status: criteria provided, single submitter. Criteria: Invitae Variant Classification Sherloc (09022015). Collection method: clinical testing. Allele origin: germline.

GeneDx
Classification: Uncertain significance. Last evaluated: 2023-11-28. Review status: criteria provided, single submitter. Criteria: GeneDx Variant Classification Process June 2021. Collection method: clinical testing. Allele origin: germline. Affected: yes.
Comment: In silico analysis supports that this missense variant has a deleterious effect on protein structure/function; Has not been previously published as pathogenic or benign to our knowledge

NM_001164508.2(NEB):c.22972C>T (p.Pro7658Ser)

Genes: NEB (nebulin; minus strand), RIF1 (replication timing regulatory factor 1; plus strand). Cytogenetic location: 2q23.3.
Variant type: single nucleotide variant.
Coding change: c.22972C>T on transcript NM_001164508.2 (MANE Select); coding-DNA position 22972, C replaced by T.
Protein change: p.Pro7658Ser; replaces proline 7658 with serine.
Molecular consequence: missense variant.
Genome position (GRCh38, 1-based): chr2:151,514,862, G>A on the plus strand (C>T on the coding strand, the complement: NEB is on the minus strand). VCF-style: chr2-151514862-G-A. GRCh37 (hg19) VCF-style: chr2-152371376-G-A.
Other names: c.22972C>T, p.Pro7658Ser (NM_001164507.2); c.23077C>T, p.Pro7693Ser (NM_001271208.2); c.17869C>T, p.Pro5957Ser (NM_004543.5); short protein forms P5957S, P7658S, P7693S.
Identifiers: ClinVar variation 2053214 (VCV002053214.5), dbSNP rs1021338595, ClinGen allele CA57618722.